The following is an entry in ClinVar:

NM_001387430.1(SH2B1):c.1340C>T (p.Ser447Leu)

Gene: SH2B1 (SH2B adaptor protein 1; plus strand). Cytogenetic location: 16p11.2.
Variant type: single nucleotide variant.
Coding change: c.1340C>T on transcript NM_001387430.1 (MANE Select); coding-DNA position 1340, C replaced by T.
Protein change: p.Ser447Leu; replaces serine 447 with leucine.
Molecular consequence: missense variant.
Genome position (GRCh38, 1-based): chr16:28,871,810, C>T. VCF-style: chr16-28871810-C-T. GRCh37 (hg19) VCF-style: chr16-28883131-C-T.
Other names: c.1340C>T, p.Ser447Leu (NM_001145795.2, NM_001145796.2, NM_001145797.2 and 4 more transcripts); c.332C>T, p.Ser111Leu (NM_001308294.2); short protein forms S111L, S447L.
Identifiers: ClinVar variation 2629447 (VCV002629447.3), dbSNP rs760994748, ClinGen allele CA7986180.

ClinVar aggregate classification (germline): Uncertain significance (0 of 4 stars; one submission).

Conditions:
SH2B1-related disorder. Also called: SH2B1-related condition.

Allele frequency attached by ClinVar (database versions not stated): ExAC 0.00002; gnomAD 0.00002; TOPMed 0.00002; gnomAD exomes 0.00005.
gnomAD v4.1: 70 of 1,613,984 alleles (0.0043%); highest among the groups gnomAD compares: South Asian, 0.0077%; no homozygotes.

Submission:

PreventionGenetics, part of Exact Sciences
Classification: Uncertain significance for SH2B1-related condition. Last evaluated: 2024-02-13. Review status: no assertion criteria provided. Collection method: clinical testing. Allele origin: germline.
Comment: The SH2B1 c.1340C>T variant is predicted to result in the amino acid substitution p.Ser447Leu. To our knowledge, this variant has not been reported in the literature. This variant is reported in 0.0050% of alleles in individuals of East Asian descent in gnomAD. At this time, the clinical significance of this variant is uncertain due to the absence of conclusive functional and genetic evidence.